The following is an entry in ClinVar:

ClinVar aggregate classification (germline): Benign/Likely benign. Review status: criteria provided, multiple submitters, no conflicts (2 of 4 stars). 3 submissions from 3 submitters: Benign (1); Likely benign (2). Last evaluated 2026-07-29.

Conditions:
Hereditary pheochromocytoma and paraganglioma. Also called: Hereditary paragangliomas and pheochromocytomas; Hereditary pheochromocytoma-paraganglioma; Hereditary Paraganglioma-Pheochromocytoma Syndromes. Identifiers: Orphanet 29072, MedGen C4274332, MONDO:0017366.
Hereditary cancer-predisposing syndrome. Also called: Hereditary Cancer Syndrome; Hereditary neoplastic syndrome; Neoplastic Syndromes, Hereditary; Tumor predisposition. Identifiers: Orphanet 140162, MedGen C0027672, MeSH D009386, MONDO:0015356.

gnomAD v4.1: 4 of 1,575,252 alleles (0.00025%); highest among the groups gnomAD compares: Non-Finnish European, 0.00034%; no homozygotes.

Submissions (3):

Myriad Genetics, Inc.
Classification: Benign for Hereditary pheochromocytoma and paraganglioma. Last evaluated: 2026-07-29. Review status: criteria provided, single submitter. Criteria: Myriad Autosomal Dominant, Autosomal Recessive and X-Linked Classification Criteria (2023). Collection method: clinical testing. Allele origin: unknown.
Comment: This variant is considered benign. This variant is a silent/synonymous amino acid change and it is not expected to impact splicing.

Labcorp Genetics (formerly Invitae), Labcorp
Classification: Likely benign for Hereditary pheochromocytoma and paraganglioma. Last evaluated: 2025-08-31. Review status: criteria provided, single submitter. Criteria: Invitae Variant Classification Sherloc (09022015). Collection method: clinical testing. Allele origin: germline.

Ambry Genetics
Classification: Likely benign for Hereditary cancer-predisposing syndrome. Last evaluated: 2022-10-12. Review status: criteria provided, single submitter. Criteria: Ambry Variant Classification Scheme 2023. Collection method: clinical testing. Allele origin: germline.

NM_017849.4(TMEM127):c.111C>T (p.Gly37=)

Genes: TMEM127 (transmembrane protein 127; minus strand), LOC129934333 (ATAC-STARR-seq lymphoblastoid silent region 11759; plus strand). Cytogenetic location: 2q11.2.
Variant type: single nucleotide variant.
Coding change: c.111C>T on transcript NM_017849.4 (MANE Select); coding-DNA position 111, C replaced by T.
Protein change: p.Gly37=; no amino-acid change (glycine 37 retained).
Molecular consequence: synonymous variant.
Genome position (GRCh38, 1-based): chr2:96,265,271, G>A on the plus strand (C>T on the coding strand, the complement: TMEM127 is on the minus strand). VCF-style: chr2-96265271-G-A. GRCh37 (hg19) VCF-style: chr2-96931009-G-A.
Other names: c.111C>T, p.Gly37= (NM_001193304.3).
Identifiers: ClinVar variation 661541 (VCV000661541.12), dbSNP rs1573977865, ClinGen allele CA427496372.
Genomic context (GRCh38, chr2:96,265,271, plus strand): 5'-GTGGATGTGCAACCAGGCGGGCTCGGCGAGGGCAGTGCACAGCGCCGTGATAGACAGGGC[G>A]CCAGGCAGGGCCGAGGCCAGGCTACGCTCCGGCTGCTTGGGCAGAGCGCTGCCTCCCGGG-3'
Protein context (NP_060319.1, residues 27-47): PERSLASALP[Gly37=]ALSITALCTA